The following is an entry in ClinVar:

NM_000535.7(PMS2):c.494C>T (p.Thr165Ile)

Gene: PMS2 (PMS1 homolog 2, mismatch repair system component; minus strand). Cytogenetic location: 7p22.1.
Variant type: single nucleotide variant.
Coding change: c.494C>T on transcript NM_000535.7 (MANE Select); coding-DNA position 494, C replaced by T.
Protein change: p.Thr165Ile; replaces threonine 165 with isoleucine.
Molecular consequence: missense variant. On other transcripts: 5 prime UTR variant (2), non-coding transcript variant (1).
Genome position (GRCh38, 1-based): chr7:6,002,496, G>A on the plus strand (C>T on the coding strand, the complement: PMS2 is on the minus strand). VCF-style: chr7-6002496-G-A. GRCh37 (hg19) VCF-style: chr7-6042127-G-A.
Other names: c.89C>T, p.Thr30Ile (NM_001322003.2, NM_001322004.2, NM_001322005.2 and 3 more transcripts); c.494C>T, p.Thr165Ile (NM_001322006.2, NM_001322014.2); c.176C>T, p.Thr59Ile (NM_001322007.2, NM_001322008.2); c.-391C>T (NM_001322011.2, NM_001322012.2); c.185C>T, p.Thr62Ile (NM_001322015.2); short protein forms T165I, T59I, T30I, T62I.
Identifiers: ClinVar variation 141163 (VCV000141163.25), dbSNP rs587781541, ClinGen allele CA012165.

ClinVar aggregate classification (germline): Uncertain significance. Review status: criteria provided, multiple submitters, no conflicts (2 of 4 stars). 8 submissions from 8 submitters: Uncertain significance (8). Last evaluated 2026-01-20.

Conditions:
Mismatch repair cancer syndrome 4. Identifiers: MedGen C5436817, MONDO:0030843, OMIM 619101.
Hereditary nonpolyposis colorectal neoplasms. Identifiers: MedGen C0009405, MeSH D003123.
Hereditary cancer-predisposing syndrome. Also called: Neoplastic Syndromes, Hereditary; Tumor predisposition; Hereditary Cancer Syndrome; Hereditary neoplastic syndrome. Identifiers: Orphanet 140162, MedGen C0027672, MeSH D009386, MONDO:0015356.
Lynch syndrome. Identifiers: Orphanet 144, MedGen C4552100, MONDO:0005835. Disease mechanism: loss of function.
Mismatch repair cancer syndrome 1 (MMRCS1). Also called: BRAIN TUMOR-POLYPOSIS SYNDROME 1; BTP1 SYNDROME; CHILDHOOD CANCER SYNDROME; MISMATCH REPAIR DEFICIENCY; MMR DEFICIENCY. Identifiers: Orphanet 252202, MedGen C5399763, MONDO:0010159, OMIM 276300. Disease mechanism: loss of function.
Lynch syndrome 4 (LYNCH4). Also called: Colorectal cancer, hereditary nonpolyposis, type 4; Hereditary non-polyposis colorectal cancer, type 4. Identifiers: Orphanet 144, MedGen C1838333, MONDO:0013699, OMIM 614337. Disease mechanism: loss of function.

Allele frequency attached by ClinVar (database versions not stated): gnomAD exomes below 0.00001; TOPMed below 0.00001; gnomAD 0.00001.
gnomAD v4.1: 2 of 1,611,496 alleles (0.00012%); highest among the groups gnomAD compares: Middle Eastern, 0.022%; no homozygotes.

Submissions (8):

Labcorp Genetics (formerly Invitae), Labcorp
Classification: Uncertain significance for Hereditary nonpolyposis colorectal neoplasms. Last evaluated: 2026-01-20. Review status: criteria provided, single submitter. Criteria: Invitae Variant Classification Sherloc (09022015). Collection method: clinical testing. Allele origin: germline.
Comment: This sequence change replaces threonine, which is neutral and polar, with isoleucine, which is neutral and non-polar, at codon 165 of the PMS2 protein (p.Thr165Ile). This variant is present in population databases (rs587781541, gnomAD no frequency). This missense change has been observed in individual(s) with PMS2-related conditions (PMID: 34326862). ClinVar contains an entry for this variant (Variation ID: 141163). Invitae Evidence Modeling incorporating data from in vitro experimental studies (internal data) indicates that this missense variant is not expected to disrupt PMS2 function with a negative predictive value of 95%. In summary, the available evidence is currently insufficient to determine the role of this variant in disease. Therefore, it has been classified as a Variant of Uncertain Significance.

Genomic Medicine Center of Excellence, King Faisal Specialist Hospital and Research Centre
Classification: Uncertain significance for Mismatch repair cancer syndrome 4. Last evaluated: 2025-09-10. Review status: criteria provided, single submitter. Criteria: ACMG Guidelines, 2015. Collection method: clinical testing. Allele origin: germline.

Ambry Genetics
Classification: Uncertain significance for Hereditary cancer-predisposing syndrome. Last evaluated: 2025-01-22. Review status: criteria provided, single submitter. Criteria: Ambry Variant Classification Scheme 2023. Collection method: clinical testing. Allele origin: germline.
Comment: The p.T165I variant (also known as c.494C>T), located in coding exon 5 of the PMS2 gene, results from a C to T substitution at nucleotide position 494. The threonine at codon 165 is replaced by isoleucine, an amino acid with similar properties. This amino acid position is well conserved in available vertebrate species. In addition, this alteration is predicted to be deleterious by in silico analysis. Based on the available evidence, the clinical significance of this variant remains unclear.

Color Diagnostics, LLC DBA Color Health
Classification: Uncertain significance for Hereditary cancer-predisposing syndrome. Last evaluated: 2024-03-06. Review status: criteria provided, single submitter. Criteria: ACMG Guidelines, 2015. Collection method: clinical testing. Allele origin: germline.
Comment: This missense variant replaces threonine with isoleucine at codon 165 of the PMS2 protein. Computational prediction is inconclusive regarding the impact of this variant on protein structure and function (internally defined REVEL score threshold 0.5 < inconclusive < 0.7, PMID: 27666373). To our knowledge, functional studies have not been reported for this variant. This variant has not been reported in individuals affected with PMS2-related disorders in the literature. This variant has been identified in 1/250360 chromosomes in the general population by the Genome Aggregation Database (gnomAD). The available evidence is insufficient to determine the role of this variant in disease conclusively. Therefore, this variant is classified as a Variant of Uncertain Significance.

Baylor Genetics
Classification: Uncertain significance for Lynch syndrome 4. Last evaluated: 2024-02-07. Review status: criteria provided, single submitter. Criteria: ACMG Guidelines, 2015. Collection method: clinical testing. Allele origin: unknown.

All of Us Research Program, National Institutes of Health
Classification: Uncertain significance for Lynch syndrome. Last evaluated: 2023-12-01. Review status: criteria provided, single submitter. Criteria: ACMG Guidelines, 2015. Collection method: clinical testing. Allele origin: germline. Inheritance: Autosomal dominant inheritance. Observed: 2 variant alleles, 2 heterozygotes.
Comment: This missense variant replaces threonine with isoleucine at codon 165 of the PMS2 protein. Computational prediction is inconclusive regarding the impact of this variant on protein structure and function (internally defined REVEL score threshold 0.5 < inconclusive < 0.7, PMID: 27666373). Splice site prediction tools suggest that this variant may not impact RNA splicing. To our knowledge, functional studies have not been reported for this variant. This variant has not been reported in individuals affected with hereditary cancer in the literature. This variant has been identified in 1/250360 chromosomes in the general population by the Genome Aggregation Database (gnomAD). The available evidence is insufficient to determine the role of this variant in disease conclusively. Therefore, this variant is classified as a Variant of Uncertain Significance.

This study involves interpretation of variants in research participants for the purpose of population health screening. Participant phenotype was not available at the time of variant classification. Additional details can be found in publication PMID: 35346344, PMCID: PMC8962531

GeneDx
Classification: Uncertain significance. Last evaluated: 2019-10-10. Review status: criteria provided, single submitter. Criteria: GeneDx Variant Classification Process June 2021. Collection method: clinical testing. Allele origin: germline. Affected: yes.
Comment: Not observed at a significant frequency in large population cohorts (Lek 2016); In silico analysis, which includes protein predictors and evolutionary conservation, supports a deleterious effect; Has not been previously published as pathogenic or benign to our knowledge

Fulgent Genetics
Classification: Uncertain significance for Mismatch repair cancer syndrome 1; Lynch syndrome 4. Last evaluated: 2018-10-31. Review status: criteria provided, single submitter. Criteria: ACMG Guidelines, 2015. Collection method: clinical testing. Allele origin: unknown.

Literature cited by the submitters: PubMed 34326862 (cited by Labcorp Genetics (formerly Invitae), Labcorp).